The following is an entry in ClinVar:

ClinVar aggregate classification (germline): Pathogenic/Likely pathogenic. Review status: criteria provided, multiple submitters, no conflicts (2 of 4 stars). 3 submissions from 3 submitters: Pathogenic (1); Likely pathogenic (2). Last evaluated 2024-11-11.

Conditions:
Chuvash polycythemia. Also called: POLYCYTHEMIA, VHL-DEPENDENT. Identifiers: Orphanet 238557, MedGen C1837915, MONDO:0009892, OMIM 263400.
Von Hippel-Lindau syndrome (VHLS). Also called: VHL syndrome; Von Hippel-Lindau; von Hippel–Lindau syndrome. Identifiers: Orphanet 892, MedGen C0019562, MONDO:0008667, OMIM 193300. Disease mechanism: loss of function.
Hereditary cancer-predisposing syndrome. Also called: Tumor predisposition; Hereditary neoplastic syndrome; Neoplastic Syndromes, Hereditary; Hereditary Cancer Syndrome. Identifiers: Orphanet 140162, MedGen C0027672, MeSH D009386, MONDO:0015356.

Submissions (3):

Labcorp Genetics (formerly Invitae), Labcorp
Classification: Likely pathogenic for Von Hippel-Lindau syndrome; Chuvash polycythemia. Last evaluated: 2024-11-11. Review status: criteria provided, single submitter. Criteria: Invitae Variant Classification Sherloc (09022015). Collection method: clinical testing. Allele origin: germline.
Comment: This sequence change replaces glutamine, which is neutral and polar, with proline, which is neutral and non-polar, at codon 132 of the VHL protein (p.Gln132Pro). This variant is not present in population databases (gnomAD no frequency). This missense change has been observed in individuals with VHL-related conditions (PMID: 10567493, 12202531, 17024664, 33720516; internal data). ClinVar contains an entry for this variant (Variation ID: 496063). Invitae Evidence Modeling of protein sequence and biophysical properties (such as structural, functional, and spatial information, amino acid conservation, physicochemical variation, residue mobility, and thermodynamic stability) indicates that this missense variant is expected to disrupt VHL protein function with a positive predictive value of 95%. In summary, the currently available evidence indicates that the variant is pathogenic, but additional data are needed to prove that conclusively. Therefore, this variant has been classified as Likely Pathogenic.

Ambry Genetics
Classification: Likely pathogenic for Hereditary cancer-predisposing syndrome. Last evaluated: 2016-11-05. Review status: criteria provided, single submitter. Criteria: Ambry Variant Classification Scheme 2023. Collection method: clinical testing. Allele origin: germline.
Comment: The p.Q132P variant (also known as c.395A>C), located in coding exon 2 of the VHL gene, results from an A to C substitution at nucleotide position 395. The glutamine at codon 132 is replaced by proline, an amino acid with similar properties. This alteration was identified in a patient meeting clinical diagnostic criteria for VHL disease (Dollfus H et al. Invest. Ophthalmol. Vis. Sci., 2002 Sep;43:3067-74). In addition, this alteration was been reported in one family from the French VHL registry (Gallou C et al. Hum. Mutat., 2004 Sep;24:215-24), another family with suspected VHL (Ong KR et al. Hum. Mutat., 2007 Feb;28:143-9), and three patients with a history of CNS hemangioblastomas (Gl&auml;sker S et al. J. Neurol. Neurosurg. Psychiatr., 1999 Dec;67:758-62). This variant was not reported in population based cohorts in the following databases: Database of Single Nucleotide Polymorphisms (dbSNP), NHLBI Exome Sequencing Project (ESP), and 1000 Genomes Project. In the ESP, this variant was not observed in 6503 samples (13006 alleles) with coverage at this position. This amino acid position is well conserved in available vertebrate species. In addition, this alteration is predicted to be deleterious by in silico analysis. In addition, this alteration was predicted to destabilize the HIF binding domain of pVHL by a group utilizing in silico software and database tools (Forman JR et al. Proteins, 2009 Oct;77:84-96). Of note, this alteration is also known as 608A>C in published literature. Based on the majority of available evidence to date, this variant is likely to be pathogenic.

Women's Health and Genetics/Laboratory Corporation of America, LabCorp
Classification: Pathogenic for Von Hippel-Lindau syndrome. Last evaluated: 2016-02-09. Review status: criteria provided, single submitter. Criteria: LabCorp Variant Classification Summary - May 2015. Collection method: clinical testing. Allele origin: germline.
Comment: Variant summary: The c.395A>C in VHL gene is a missense variant that involves a conserved nucleotide and 5/5 in silico tools predict deleterious outcome. The variant is absent from the broad control population dataset of ExAC, suggesting this variant is not a common polymorphism. The variant has been reported in multiple affected individuals presented with von Hippel-Lindau disease, including several familial cases. The variant of interest has been reported as Pathogenic via peer-reviewed publications. Taking together, the variant was classified as Pathogenic.

Literature cited by the submitters: PubMed 10567493 (cited by 3 submitters); PubMed 12202531 (cited by 3 submitters); PubMed 17024664 (cited by 3 submitters); PubMed 33720516 (cited by Labcorp Genetics (formerly Invitae), Labcorp); PubMed 15300849 (cited by Ambry Genetics and Women's Health and Genetics/Laboratory Corporation of America, LabCorp); PubMed 19408298 (cited by Ambry Genetics and Women's Health and Genetics/Laboratory Corporation of America, LabCorp); PubMed 20151405 (cited by Ambry Genetics); PubMed 21715564 (cited by Ambry Genetics).

NM_000551.4(VHL):c.395A>C (p.Gln132Pro)

Genes: VHL (von Hippel-Lindau tumor suppressor; plus strand), LOC107303340 (3p25 von Hippel-Lindau tumor suppressor, E3 ubiquitin protein ligase Alu-mediated recombination region; plus strand). Cytogenetic location: 3p25.3.
Variant type: single nucleotide variant.
Coding change: c.395A>C on transcript NM_000551.4 (MANE Select); coding-DNA position 395, A replaced by C.
Protein change: p.Gln132Pro; replaces glutamine 132 with proline.
Molecular consequence: missense variant. On other transcripts: intron variant (2).
Genome position (GRCh38, 1-based): chr3:10,146,568, A>C. VCF-style: chr3-10146568-A-C. GRCh37 (hg19) VCF-style: chr3-10188252-A-C.
Other names: c.*18-3219A>C (NM_001354723.2); c.341-3219A>C (NM_198156.3); short protein forms Q132P.
Identifiers: ClinVar variation 496063 (VCV000496063.5), dbSNP rs1347416980, ClinGen allele CA351753958.